The following is an entry in ClinVar:

ClinVar aggregate classification (germline): Uncertain significance. Review status: criteria provided, multiple submitters, no conflicts (2 of 4 stars). 2 submissions from 2 submitters: Uncertain significance (2). Last evaluated 2026-01-13.

Conditions:
Inborn genetic diseases. Identifiers: MedGen C0950123, MeSH D030342.
Gnathodiaphyseal dysplasia (GDD). Also called: GNATHODIAPHYSEAL SCLEROSIS; OSTEOGENESIS IMPERFECTA WITH UNUSUAL SKELETAL LESIONS. Identifiers: Orphanet 53697, MedGen C1833736, MONDO:0008151, OMIM 166260.
Autosomal recessive limb-girdle muscular dystrophy type 2L (LGMDR12). Also called: Limb-girdle muscular dystrophy, type 2L; MUSCULAR DYSTROPHY, LIMB-GIRDLE, AUTOSOMAL RECESSIVE 12; Limb-Girdle Muscular Dystrophy R12 Anoctamin-5-Related (LGMD-R12). Identifiers: Orphanet 206549, MedGen C1969785, MONDO:0012652, OMIM 611307.

gnomAD v4.1: 4 of 1,613,684 alleles (0.00025%); highest among the groups gnomAD compares: Admixed American, 0.0067%; no homozygotes.

Submissions (2):

Labcorp Genetics (formerly Invitae), Labcorp
Classification: Uncertain significance for Autosomal recessive limb-girdle muscular dystrophy type 2L; Gnathodiaphyseal dysplasia. Last evaluated: 2026-01-13. Review status: criteria provided, single submitter. Criteria: Invitae Variant Classification Sherloc (09022015). Collection method: clinical testing. Allele origin: germline.
Comment: This sequence change replaces tyrosine, which is neutral and polar, with histidine, which is basic and polar, at codon 552 of the ANO5 protein (p.Tyr552His). This variant is present in population databases (no rsID available, gnomAD 0.009%). This variant has not been reported in the literature in individuals affected with ANO5-related conditions. ClinVar contains an entry for this variant (Variation ID: 4111057). Invitae Evidence Modeling of protein sequence and biophysical properties (such as structural, functional, and spatial information, amino acid conservation, physicochemical variation, residue mobility, and thermodynamic stability) indicates that this missense variant is expected to disrupt ANO5 protein function with a positive predictive value of 95%. In summary, the available evidence is currently insufficient to determine the role of this variant in disease. Therefore, it has been classified as a Variant of Uncertain Significance.

Ambry Genetics
Classification: Uncertain significance for Inborn genetic diseases. Last evaluated: 2025-09-05. Review status: criteria provided, single submitter. Criteria: Ambry Variant Classification Scheme 2023. Collection method: clinical testing. Allele origin: germline.

NM_213599.3(ANO5):c.1654T>C (p.Tyr552His)

Gene: ANO5 (anoctamin 5; plus strand). Cytogenetic location: 11p14.3.
Variant type: single nucleotide variant.
Coding change: c.1654T>C on transcript NM_213599.3 (MANE Select); coding-DNA position 1654, T replaced by C.
Protein change: p.Tyr552His; replaces tyrosine 552 with histidine.
Molecular consequence: missense variant. On other transcripts: intron variant (3).
Genome position (GRCh38, 1-based): chr11:22,262,152, T>C. VCF-style: chr11-22262152-T-C. GRCh37 (hg19) VCF-style: chr11-22283698-T-C.
Other names: c.1651T>C, p.Tyr551His (NM_001142649.2); c.1612T>C, p.Tyr538His (NM_001410963.1); c.1609T>C, p.Tyr537His (NM_001410964.1); c.1576T>C, p.Tyr526His (NM_001441294.1); c.1573T>C, p.Tyr525His (NM_001441295.1); c.1561T>C, p.Tyr521His (NM_001441296.1); c.1534T>C, p.Tyr512His (NM_001441297.1); c.1498T>C, p.Tyr500His (NM_001441298.1); and 4 more; short protein forms Y552H, Y500H, Y512H, Y521H, Y526H, Y537H, Y551H, Y499H.
Identifiers: ClinVar variation 4111057 (VCV004111057.2).